The following is an entry in ClinVar:

NM_001083961.2(WDR62):c.1769-7C>T

Gene: WDR62 (WD repeat domain 62; plus strand). Cytogenetic location: 19q13.12.
Variant type: single nucleotide variant.
Coding change: c.1769-7C>T on transcript NM_001083961.2 (MANE Select); 7 bases into the intron before coding-DNA position 1769, C replaced by T.
Molecular consequence: intron variant.
Genome position (GRCh38, 1-based): chr19:36,089,031, C>T. VCF-style: chr19-36089031-C-T. GRCh37 (hg19) VCF-style: chr19-36579933-C-T.
Other names: c.1769-7C>T (NM_173636.5).
Identifiers: ClinVar variation 194351 (VCV000194351.21), dbSNP rs137919897, ClinGen allele CA240275.

ClinVar aggregate classification (germline): Conflicting classifications of pathogenicity. Review status: criteria provided, conflicting classifications (1 of 4 stars). 5 submissions from 5 submitters: Uncertain significance (1); Likely benign (3). 1 of the submissions does not count toward it. Last evaluated 2025-10-22.

Conditions:
WDR62-related disorder. Also called: WDR62-related condition.

Allele frequency attached by ClinVar (database versions not stated): gnomAD exomes 0.00007 and 0.00019; ExAC 0.00021; 1000 Genomes Project 30x 0.00031; 1000 Genomes Project 0.00040; ESP Exome Variant Server 0.00054; gnomAD 0.00065 and 0.00071; TOPMed 0.00074.
gnomAD v4.1: 209 of 1,613,914 alleles (0.013%); highest among the groups gnomAD compares: African/African-American, 0.23%; 1 homozygote.

Submissions (5):

Labcorp Genetics (formerly Invitae), Labcorp
Classification: Likely benign. Last evaluated: 2025-10-22. Review status: criteria provided, single submitter. Criteria: Invitae Variant Classification Sherloc (09022015). Collection method: clinical testing. Allele origin: germline.

Women's Health and Genetics/Laboratory Corporation of America, LabCorp
Classification: Likely benign. Last evaluated: 2025-04-30. Review status: criteria provided, single submitter. Criteria: LabCorp Variant Classification Summary - May 2015. Collection method: clinical testing. Allele origin: germline.

GeneDx
Classification: Likely benign. Last evaluated: 2020-10-06. Review status: criteria provided, single submitter. Criteria: GeneDx Variant Classification Process June 2021. Collection method: clinical testing. Allele origin: germline. Affected: yes.

Eurofins Ntd Llc (ga)
Classification: Uncertain significance. Last evaluated: 2017-06-27. Review status: criteria provided, single submitter. Criteria: EGL Classification Definitions 2015. Collection method: clinical testing. Allele origin: germline. Observed: 2 variant alleles, 2 heterozygotes.

PreventionGenetics, part of Exact Sciences
Classification: Likely benign for WDR62-related condition. Last evaluated: 2019-12-20. Review status: no assertion criteria provided. Collection method: clinical testing. Allele origin: germline. Not counted in ClinVar's aggregate classification.
Comment: This variant is classified as likely benign based on ACMG/AMP sequence variant interpretation guidelines (Richards et al. 2015 PMID: 25741868, with internal and published modifications).